The following is an entry in ClinVar:

ClinVar aggregate classification (germline): Uncertain significance (1 of 4 stars; one submission).

Allele frequency attached by ClinVar (database versions not stated): gnomAD exomes below 0.00001.
gnomAD v4.1: 3 of 1,612,620 alleles (0.00019%); highest among the groups gnomAD compares: African/African-American, 0.0013%; no homozygotes.

Submission:

CeGaT Center for Human Genetics Tuebingen
Classification: Uncertain significance. Last evaluated: 2023-01-01. Review status: criteria provided, single submitter. Criteria: CeGaT Center For Human Genetics Tuebingen Variant Classification Criteria Version 2. Collection method: clinical testing. Allele origin: germline. Affected: yes. Observed: 1 variant allele.
Comment: HSPD1: PM2, PP3

NM_002156.5(HSPD1):c.728A>G (p.Tyr243Cys)

Gene: HSPD1 (heat shock protein family D (Hsp60) member 1; minus strand). Cytogenetic location: 2q33.1.
Variant type: single nucleotide variant.
Coding change: c.728A>G on transcript NM_002156.5 (MANE Select); coding-DNA position 728, A replaced by G.
Protein change: p.Tyr243Cys; replaces tyrosine 243 with cysteine.
Molecular consequence: missense variant.
Genome position (GRCh38, 1-based): chr2:197,493,465, T>C on the plus strand (A>G on the coding strand, the complement: HSPD1 is on the minus strand). VCF-style: chr2-197493465-T-C. GRCh37 (hg19) VCF-style: chr2-198358189-T-C.
Other names: c.728A>G, p.Tyr243Cys (NM_199440.2); short protein forms Y243C.
Identifiers: ClinVar variation 2651794 (VCV002651794.24), dbSNP rs2470116190, ClinGen allele CA350201110.